The following is an entry in ClinVar:

ClinVar aggregate classification (germline): Uncertain significance (1 of 4 stars; one submission).

Conditions:
Aortic aneurysm, familial thoracic 4 (AAT4). Also called: AORTIC ANEURYSM/AORTIC DISSECTION AND PATENT DUCTUS ARTERIOSUS. Identifiers: MedGen C1851504, MONDO:0007568, OMIM 132900.

Submission:

Labcorp Genetics (formerly Invitae), Labcorp
Classification: Uncertain significance for Aortic aneurysm, familial thoracic 4. Last evaluated: 2024-05-19. Review status: criteria provided, single submitter. Criteria: Invitae Variant Classification Sherloc (09022015). Collection method: clinical testing. Allele origin: germline.
Comment: This sequence change replaces histidine, which is basic and polar, with proline, which is neutral and non-polar, at codon 690 of the MYH11 protein (p.His690Pro). This variant is not present in population databases (gnomAD no frequency). This variant has not been reported in the literature in individuals affected with MYH11-related conditions. Advanced modeling of protein sequence and biophysical properties (such as structural, functional, and spatial information, amino acid conservation, physicochemical variation, residue mobility, and thermodynamic stability) performed at Invitae indicates that this missense variant is not expected to disrupt MYH11 protein function with a negative predictive value of 95%. In summary, the available evidence is currently insufficient to determine the role of this variant in disease. Therefore, it has been classified as a Variant of Uncertain Significance.

NM_002474.3(MYH11):c.2048A>C (p.His683Pro)

Gene: MYH11 (myosin heavy chain 11; minus strand). Cytogenetic location: 16p13.11.
Variant type: single nucleotide variant.
Coding change: c.2048A>C on transcript NM_002474.3 (MANE Select); coding-DNA position 2048, A replaced by C.
Protein change: p.His683Pro; replaces histidine 683 with proline.
Molecular consequence: missense variant.
Genome position (GRCh38, 1-based): chr16:15,750,148, T>G on the plus strand (A>C on the coding strand, the complement: MYH11 is on the minus strand). VCF-style: chr16-15750148-T-G. GRCh37 (hg19) VCF-style: chr16-15844005-T-G.
Other names: c.2069A>C, p.His690Pro (NM_001040113.2, NM_001040114.2); c.2048A>C, p.His683Pro (NM_022844.3); short protein forms H690P, H683P.
Identifiers: ClinVar variation 3706621 (VCV003706621.2).